The following is an entry in ClinVar:

NM_006361.6(HOXB13):c.583T>C (p.Trp195Arg)

Gene: HOXB13 (homeobox B13; minus strand). Cytogenetic location: 17q21.32.
Variant type: single nucleotide variant.
Coding change: c.583T>C on transcript NM_006361.6 (MANE Select); coding-DNA position 583, T replaced by C.
Protein change: p.Trp195Arg; replaces tryptophan 195 with arginine.
Molecular consequence: missense variant.
Genome position (GRCh38, 1-based): chr17:48,728,011, A>G on the plus strand (T>C on the coding strand, the complement: HOXB13 is on the minus strand). VCF-style: chr17-48728011-A-G. GRCh37 (hg19) VCF-style: chr17-46805373-A-G.
Other names: short protein forms W195R.
Identifiers: ClinVar variation 3710335 (VCV003710335.2).

ClinVar aggregate classification (germline): Uncertain significance (1 of 4 stars; one submission).

gnomAD v4.1: 1 of 1,613,920 alleles (0.000062%); highest among the groups gnomAD compares: South Asian, 0.0011%; no homozygotes.

Submission:

Labcorp Genetics (formerly Invitae), Labcorp
Classification: Uncertain significance. Last evaluated: 2024-11-20. Review status: criteria provided, single submitter. Criteria: Invitae Variant Classification Sherloc (09022015). Collection method: clinical testing. Allele origin: germline.
Comment: This sequence change replaces tryptophan, which is neutral and slightly polar, with arginine, which is basic and polar, at codon 195 of the HOXB13 protein (p.Trp195Arg). This variant is not present in population databases (gnomAD no frequency). This variant has not been reported in the literature in individuals affected with HOXB13-related conditions. Invitae Evidence Modeling of protein sequence and biophysical properties (such as structural, functional, and spatial information, amino acid conservation, physicochemical variation, residue mobility, and thermodynamic stability) has been performed for this missense variant. However, the output from this modeling did not meet the statistical confidence thresholds required to predict the impact of this variant on HOXB13 protein function. In summary, the available evidence is currently insufficient to determine the role of this variant in disease. Therefore, it has been classified as a Variant of Uncertain Significance.